The following is an entry in ClinVar:

NM_001203.3(BMPR1B):c.247-3T>C

Gene: BMPR1B (bone morphogenetic protein receptor type 1B; plus strand). Cytogenetic location: 4q22.3.
Variant type: single nucleotide variant.
Coding change: c.247-3T>C on transcript NM_001203.3 (MANE Select); 3 bases into the intron before coding-DNA position 247, T replaced by C.
Molecular consequence: intron variant.
Genome position (GRCh38, 1-based): chr4:95,115,682, T>C. VCF-style: chr4-95115682-T-C. GRCh37 (hg19) VCF-style: chr4-96036833-T-C.
Other names: c.247-3T>C (NM_001256792.2, NM_001256794.1); c.337-3T>C (NM_001256793.2).
Identifiers: ClinVar variation 2171652 (VCV002171652.4), dbSNP rs777409748, ClinGen allele CA3014921.

ClinVar aggregate classification (germline): Uncertain significance (1 of 4 stars; one submission).

Conditions:
Type A2 brachydactyly (BDA2). Also called: BRACHYMESOPHALANGY II; Brachymesophalangy type 2; MOHR-WRIEDT TYPE BRACHYDACTYLY. Identifiers: Orphanet 93396, MedGen C1832702, MONDO:0007216, OMIM 112600, HP:0009372.
Acromesomelic dysplasia 3 (AMD3). Also called: Acromesomelic dysplasia, Demirhan type; CHONDRODYSPLASIA, ACROMESOMELIC, WITH OR WITHOUT GENITAL ANOMALIES. Identifiers: MedGen C4225404, MONDO:0012274, OMIM 609441.

Allele frequency attached by ClinVar (database versions not stated): TOPMed below 0.00001; ExAC 0.00001; gnomAD 0.00001; gnomAD exomes 0.00001.
gnomAD v4.1: 4 of 1,611,896 alleles (0.00025%); highest among the groups gnomAD compares: East Asian, 0.0022%; no homozygotes.

Submission:

Labcorp Genetics (formerly Invitae), Labcorp
Classification: Uncertain significance for Type A2 brachydactyly; Acromesomelic dysplasia 3. Last evaluated: 2022-01-21. Review status: criteria provided, single submitter. Criteria: Invitae Variant Classification Sherloc (09022015). Collection method: clinical testing. Allele origin: germline.
Comment: This sequence change falls in intron 5 of the BMPR1B gene. It does not directly change the encoded amino acid sequence of the BMPR1B protein. It affects a nucleotide within the consensus splice site. This variant is present in population databases (rs777409748, gnomAD 0.006%). In summary, the available evidence is currently insufficient to determine the role of this variant in disease. Therefore, it has been classified as a Variant of Uncertain Significance. Variants that disrupt the consensus splice site are a relatively common cause of aberrant splicing (PMID: 17576681, 9536098). Algorithms developed to predict the effect of sequence changes on RNA splicing suggest that this variant is not likely to affect RNA splicing. This variant has not been reported in the literature in individuals affected with BMPR1B-related conditions.

Literature cited by the submitters: PubMed 17576681; PubMed 9536098.